The following is an entry in ClinVar:

ClinVar aggregate classification (germline): Likely benign (1 of 4 stars; one submission).

gnomAD v4.1: 80 of 1,614,122 alleles (0.005%); highest among the groups gnomAD compares: East Asian, 0.1%; 2 homozygotes.

Submission:

CeGaT Center for Human Genetics Tuebingen
Classification: Likely benign. Last evaluated: 2025-05-01. Review status: criteria provided, single submitter. Criteria: CeGaT Center For Human Genetics Tuebingen Variant Classification Criteria Version 2. Collection method: clinical testing. Allele origin: germline. Affected: yes. Observed: 1 variant allele.
Comment: KMT5B: BP4, BP7

NM_017635.5(KMT5B):c.1926A>G (p.Val642=)

Gene: KMT5B (lysine methyltransferase 5B; minus strand). Cytogenetic location: 11q13.2.
Variant type: single nucleotide variant.
Coding change: c.1926A>G on transcript NM_017635.5 (MANE Select); coding-DNA position 1926, A replaced by G.
Protein change: p.Val642=; no amino-acid change (valine 642 retained).
Molecular consequence: synonymous variant.
Genome position (GRCh38, 1-based): chr11:68,158,420, T>C on the plus strand (A>G on the coding strand, the complement: KMT5B is on the minus strand). VCF-style: chr11-68158420-T-C. GRCh37 (hg19) VCF-style: chr11-67925887-T-C.
Other names: c.1410A>G, p.Val470= (NM_001300907.1, NM_001369428.1, NM_001369429.1 and 4 more transcripts); c.1206A>G, p.Val402= (NM_001300908.2); c.1926A>G, p.Val642= (NM_001369426.1).
Identifiers: ClinVar variation 3905678 (VCV003905678.10).